The following is an entry in ClinVar:

NM_001244926.2(PRPF4):c.827G>C (p.Gly276Ala)

Gene: PRPF4 (pre-mRNA splicing tri-snRNP complex factor PRPF4; plus strand). Cytogenetic location: 9q32.
Variant type: single nucleotide variant.
Coding change: c.827G>C on transcript NM_001244926.2 (MANE Select); coding-DNA position 827, G replaced by C.
Protein change: p.Gly276Ala; replaces glycine 276 with alanine.
Molecular consequence: missense variant. On other transcripts: non-coding transcript variant (2).
Genome position (GRCh38, 1-based): chr9:113,286,723, G>C. VCF-style: chr9-113286723-G-C. GRCh37 (hg19) VCF-style: chr9-116049003-G-C.
Other names: c.101G>C, p.Gly34Ala (NM_001322266.2, NM_001322267.2); c.830G>C, p.Gly277Ala (NM_004697.5); short protein forms G277A, G34A, G276A.
Identifiers: ClinVar variation 944787 (VCV000944787.9), dbSNP rs1832458818, ClinGen allele CA374553951.

ClinVar aggregate classification (germline): Uncertain significance (1 of 4 stars; one submission).

Submission:

Labcorp Genetics (formerly Invitae), Labcorp
Classification: Uncertain significance. Last evaluated: 2022-12-15. Review status: criteria provided, single submitter. Criteria: Invitae Variant Classification Sherloc (09022015). Collection method: clinical testing. Allele origin: germline.
Comment: ClinVar contains an entry for this variant (Variation ID: 944787). This variant has not been reported in the literature in individuals affected with PRPF4-related conditions. This variant is not present in population databases (gnomAD no frequency). This sequence change replaces glycine, which is neutral and non-polar, with alanine, which is neutral and non-polar, at codon 277 of the PRPF4 protein (p.Gly277Ala). In summary, the available evidence is currently insufficient to determine the role of this variant in disease. Therefore, it has been classified as a Variant of Uncertain Significance. Algorithms developed to predict the effect of missense changes on protein structure and function (SIFT, PolyPhen-2, Align-GVGD) all suggest that this variant is likely to be disruptive.